The following is an entry in ClinVar:

NM_015506.3(MMACHC):c.93C>A (p.Tyr31Ter)

Gene: MMACHC (metabolism of cobalamin associated C; plus strand). Cytogenetic location: 1p34.1.
Variant type: single nucleotide variant.
Coding change: c.93C>A on transcript NM_015506.3 (MANE Select); coding-DNA position 93, C replaced by A.
Protein change: p.Tyr31Ter; replaces tyrosine 31 with a stop codon.
Molecular consequence: nonsense. On other transcripts: 5 prime UTR variant (1).
Genome position (GRCh38, 1-based): chr1:45,507,367, C>A. VCF-style: chr1-45507367-C-A. GRCh37 (hg19) VCF-style: chr1-45973039-C-A.
Other names: c.-79C>A (NM_001330540.2); short protein forms Y31*.
Identifiers: ClinVar variation 2717233 (VCV002717233.3), dbSNP rs1295015390, ClinGen allele CA340131374.

ClinVar aggregate classification (germline): Pathogenic (1 of 4 stars; one submission).

Conditions:
Cobalamin C disease. Also called: methylmalonic aciduria and homocystinuria type cblC; Cobalamin-C methylmalonic acidemia and homocystinuria; Methylmalonic acidemia and homocystinuria cblC type; Methylmalonic aciduria with homocystinuria cblC type; Methylmalonic aciduria and homocystinuria, Vitamin B12-responsive; Vitamin B12 metabolic defect with combined deficiency of methylmalonyl-CoA mutase and homocysteine:methyltetrahydrofolate methyltransferase. Identifiers: Orphanet 26, Orphanet 79282, MedGen C1848561, MONDO:0010184, OMIM 277400.

Submission:

Labcorp Genetics (formerly Invitae), Labcorp
Classification: Pathogenic for Cobalamin C disease. Last evaluated: 2023-06-16. Review status: criteria provided, single submitter. Criteria: Invitae Variant Classification Sherloc (09022015). Collection method: clinical testing. Allele origin: germline.
Comment: For these reasons, this variant has been classified as Pathogenic. Algorithms developed to predict the effect of sequence changes on RNA splicing suggest that this variant may create or strengthen a splice site. This variant has not been reported in the literature in individuals affected with MMACHC-related conditions. This variant is not present in population databases (gnomAD no frequency). This sequence change creates a premature translational stop signal (p.Tyr31*) in the MMACHC gene. It is expected to result in an absent or disrupted protein product. Loss-of-function variants in MMACHC are known to be pathogenic (PMID: 16311595).

Literature cited by the submitters: PubMed 16311595.